The following is an entry in ClinVar:

NM_001734.5(C1S):c.540C>G (p.Phe180Leu)

Gene: C1S (complement C1s; plus strand). Cytogenetic location: 12p13.31.
Variant type: single nucleotide variant.
Coding change: c.540C>G on transcript NM_001734.5 (MANE Select); coding-DNA position 540, C replaced by G.
Protein change: p.Phe180Leu; replaces phenylalanine 180 with leucine.
Molecular consequence: missense variant.
Genome position (GRCh38, 1-based): chr12:7,065,122, C>G. VCF-style: chr12-7065122-C-G. GRCh37 (hg19) VCF-style: chr12-7172426-C-G.
Other names: c.39C>G, p.Phe13Leu (NM_001346850.2); c.540C>G (NM_201442.2); c.540C>G, p.Phe180Leu (NM_201442.4); short protein forms F180L, F13L.
Identifiers: ClinVar variation 2991005 (VCV002991005.4), dbSNP rs1263347641, ClinGen allele CA383693566.

ClinVar aggregate classification (germline): Uncertain significance. Review status: criteria provided, multiple submitters, no conflicts (2 of 4 stars). 2 submissions from 2 submitters: Uncertain significance (2). Last evaluated 2025-12-08.

Conditions:
Inborn genetic diseases. Identifiers: MedGen C0950123, MeSH D030342.

Allele frequency attached by ClinVar (database versions not stated): TOPMed 0.00001.
gnomAD v4.1: 1 of 1,613,882 alleles (0.000062%); highest among the groups gnomAD compares: Non-Finnish European, 0.000085%; no homozygotes.

Submissions (2):

Labcorp Genetics (formerly Invitae), Labcorp
Classification: Uncertain significance. Last evaluated: 2025-12-08. Review status: criteria provided, single submitter. Criteria: Invitae Variant Classification Sherloc (09022015). Collection method: clinical testing. Allele origin: germline.
Comment: This sequence change replaces phenylalanine, which is neutral and non-polar, with leucine, which is neutral and non-polar, at codon 180 of the C1S protein (p.Phe180Leu). This variant is not present in population databases (gnomAD no frequency). This variant has not been reported in the literature in individuals affected with C1S-related conditions. ClinVar contains an entry for this variant (Variation ID: 2991005). Invitae Evidence Modeling of protein sequence and biophysical properties (such as structural, functional, and spatial information, amino acid conservation, physicochemical variation, residue mobility, and thermodynamic stability) indicates that this missense variant is not expected to disrupt C1S protein function with a negative predictive value of 80%. In summary, the available evidence is currently insufficient to determine the role of this variant in disease. Therefore, it has been classified as a Variant of Uncertain Significance.

Ambry Genetics
Classification: Uncertain significance for Inborn genetic diseases. Last evaluated: 2024-08-20. Review status: criteria provided, single submitter. Criteria: Ambry Variant Classification Scheme 2023. Collection method: clinical testing. Allele origin: germline.